The following is an entry in ClinVar:

ClinVar aggregate classification (germline): Uncertain significance (1 of 4 stars; one submission).

Conditions:
Epidermodysplasia verruciformis. Identifiers: Orphanet 302, MedGen C0014522, MONDO:0009176.

Allele frequency attached by ClinVar (database versions not stated): TOPMed below 0.00001; gnomAD 0.00001; gnomAD exomes 0.00006; ExAC 0.00007.
gnomAD v4.1: 35 of 1,611,390 alleles (0.0022%); highest among the groups gnomAD compares: South Asian, 0.032%; no homozygotes.

Submission:

Labcorp Genetics (formerly Invitae), Labcorp
Classification: Uncertain significance for Epidermodysplasia verruciformis. Last evaluated: 2022-01-20. Review status: criteria provided, single submitter. Criteria: Invitae Variant Classification Sherloc (09022015). Collection method: clinical testing. Allele origin: germline.
Comment: This sequence change replaces arginine, which is basic and polar, with histidine, which is basic and polar, at codon 139 of the TMC8 protein (p.Arg139His). This variant is present in population databases (rs549283975, gnomAD 0.05%). This variant has not been reported in the literature in individuals affected with TMC8-related conditions. ClinVar contains an entry for this variant (Variation ID: 1054581). Algorithms developed to predict the effect of missense changes on protein structure and function output the following: SIFT: "Tolerated"; PolyPhen-2: "Benign"; Align-GVGD: "Class C0". The histidine amino acid residue is found in multiple mammalian species, which suggests that this missense change does not adversely affect protein function. In summary, the available evidence is currently insufficient to determine the role of this variant in disease. Therefore, it has been classified as a Variant of Uncertain Significance.

NM_152468.5(TMC8):c.416G>A (p.Arg139His)

Genes: TMC8 (transmembrane channel like 8; plus strand), LOC130061793 (ATAC-STARR-seq lymphoblastoid silent region 9044; plus strand). Cytogenetic location: 17q25.3.
Variant type: single nucleotide variant.
Coding change: c.416G>A on transcript NM_152468.5 (MANE Select); coding-DNA position 416, G replaced by A.
Protein change: p.Arg139His; replaces arginine 139 with histidine.
Molecular consequence: missense variant.
Genome position (GRCh38, 1-based): chr17:78,132,476, G>A. VCF-style: chr17-78132476-G-A. GRCh37 (hg19) VCF-style: chr17-76128557-G-A.
Other names: short protein forms R139H.
Identifiers: ClinVar variation 1054581 (VCV001054581.9), dbSNP rs549283975, ClinGen allele CA8796435.